The following is an entry in ClinVar:

ClinVar aggregate classification (germline): Uncertain significance (1 of 4 stars; one submission).

Allele frequency attached by ClinVar (database versions not stated): gnomAD exomes below 0.00001; gnomAD 0.00001; TOPMed 0.00001.
gnomAD v4.1: 6 of 1,609,356 alleles (0.00037%); highest among the groups gnomAD compares: African/African-American, 0.0027%; no homozygotes.

Submission:

Labcorp Genetics (formerly Invitae), Labcorp
Classification: Uncertain significance. Last evaluated: 2022-05-22. Review status: criteria provided, single submitter. Criteria: Invitae Variant Classification Sherloc (09022015). Collection method: clinical testing. Allele origin: germline.
Comment: In summary, the available evidence is currently insufficient to determine the role of this variant in disease. Therefore, it has been classified as a Variant of Uncertain Significance. Algorithms developed to predict the effect of missense changes on protein structure and function are either unavailable or do not agree on the potential impact of this missense change (SIFT: "Tolerated"; PolyPhen-2: "Probably Damaging"; Align-GVGD: "Class C0"). This variant has not been reported in the literature in individuals affected with REL-related conditions. This variant is not present in population databases (gnomAD no frequency). This sequence change replaces arginine, which is basic and polar, with glutamine, which is neutral and polar, at codon 108 of the REL protein (p.Arg108Gln).

NM_001291746.2(REL):c.323G>A (p.Arg108Gln)

Gene: REL (REL proto-oncogene, NF-kB subunit; plus strand). Cytogenetic location: 2p16.1.
Variant type: single nucleotide variant.
Coding change: c.323G>A on transcript NM_001291746.2 (MANE Select); coding-DNA position 323, G replaced by A.
Protein change: p.Arg108Gln; replaces arginine 108 with glutamine.
Molecular consequence: missense variant.
Genome position (GRCh38, 1-based): chr2:60,901,012, G>A. VCF-style: chr2-60901012-G-A. GRCh37 (hg19) VCF-style: chr2-61128147-G-A.
Other names: c.323G>A, p.Arg108Gln (NM_002908.4); short protein forms R108Q.
Identifiers: ClinVar variation 2127653 (VCV002127653.4), dbSNP rs1016724251, ClinGen allele CA49056826.